The following is an entry in ClinVar:

ClinVar aggregate classification (germline): Uncertain significance (1 of 4 stars; one submission).

gnomAD v4.1: 2 of 1,614,160 alleles (0.00012%); no homozygotes.

Submission:

Women's Health and Genetics/Laboratory Corporation of America, LabCorp
Classification: Uncertain significance. Last evaluated: 2024-02-15. Review status: criteria provided, single submitter. Criteria: LabCorp Variant Classification Summary - May 2015. Collection method: clinical testing. Allele origin: germline.
Comment: Variant summary: WAC c.959C>A (p.Thr320Lys) results in a non-conservative amino acid change in the encoded protein sequence. Two of four in-silico tools predict a benign effect of the variant on protein function. The variant was absent in 251402 control chromosomes. The available data on variant occurrences in the general population are insufficient to allow any conclusion about variant significance. To our knowledge, no occurrence of c.959C>A in individuals affected with Desanto-Shinawi Syndrome and no experimental evidence demonstrating its impact on protein function have been reported. No submitters have cited clinical-significance assessments for this variant to ClinVar. Based on the evidence outlined above, the variant was classified as uncertain significance.

NM_016628.5(WAC):c.959C>A (p.Thr320Lys)

Gene: WAC (WW domain containing adaptor with coiled-coil; plus strand). Cytogenetic location: 10p12.1.
Variant type: single nucleotide variant.
Coding change: c.959C>A on transcript NM_016628.5 (MANE Select); coding-DNA position 959, C replaced by A.
Protein change: p.Thr320Lys; replaces threonine 320 with lysine.
Molecular consequence: missense variant.
Genome position (GRCh38, 1-based): chr10:28,608,225, C>A. VCF-style: chr10-28608225-C-A. GRCh37 (hg19) VCF-style: chr10-28897154-C-A.
Other names: c.824C>A, p.Thr275Lys (NM_100264.3); c.650C>A, p.Thr217Lys (NM_100486.4); short protein forms T217K, T275K, T320K.
Identifiers: ClinVar variation 3069116 (VCV003069116.2), dbSNP rs1279807321, ClinGen allele CA376402637.